The following is an entry in ClinVar:

NM_002202.3(ISL1):c.345C>T (p.Ile115=)

Gene: ISL1 (ISL LIM homeobox 1; plus strand). Cytogenetic location: 5q11.1.
Variant type: single nucleotide variant.
Coding change: c.345C>T on transcript NM_002202.3 (MANE Select); coding-DNA position 345, C replaced by T.
Protein change: p.Ile115=; no amino-acid change (isoleucine 115 retained).
Molecular consequence: synonymous variant.
Genome position (GRCh38, 1-based): chr5:51,387,616, C>T. VCF-style: chr5-51387616-C-T. GRCh37 (hg19) VCF-style: chr5-50683450-C-T.
Identifiers: ClinVar variation 3035262 (VCV003035262.2), dbSNP rs1355500246, ClinGen allele CA444402520.

ClinVar aggregate classification (germline): Likely benign (0 of 4 stars; one submission).

Conditions:
ISL1-related disorder. Also called: ISL1-related condition.

Allele frequency attached by ClinVar (database versions not stated): gnomAD exomes below 0.00001.
gnomAD v4.1: 2 of 1,614,242 alleles (0.00012%); highest among the groups gnomAD compares: Admixed American, 0.0033%; no homozygotes.

Submission:

PreventionGenetics, part of Exact Sciences
Classification: Likely benign for ISL1-related condition. Last evaluated: 2019-08-07. Review status: no assertion criteria provided. Collection method: clinical testing. Allele origin: germline.
Comment: This variant is classified as likely benign based on ACMG/AMP sequence variant interpretation guidelines (Richards et al. 2015 PMID: 25741868, with internal and published modifications).